The following is an entry in ClinVar:

NM_001128178.3(NPHP1):c.1460C>A (p.Thr487Lys)

Gene: NPHP1 (nephrocystin 1; minus strand). Cytogenetic location: 2q13.
Variant type: single nucleotide variant.
Coding change: c.1460C>A on transcript NM_001128178.3 (MANE Select); coding-DNA position 1460, C replaced by A.
Protein change: p.Thr487Lys; replaces threonine 487 with lysine.
Molecular consequence: missense variant.
Genome position (GRCh38, 1-based): chr2:110,143,611, G>T on the plus strand (C>A on the coding strand, the complement: NPHP1 is on the minus strand). VCF-style: chr2-110143611-G-T. GRCh37 (hg19) VCF-style: chr2-110901188-G-T.
Other names: c.1628C>A, p.Thr543Lys (NM_000272.5); c.1271C>A, p.Thr424Lys (NM_001128179.3); c.1457C>A, p.Thr486Lys (NM_001374256.1); c.1460C>A, p.Thr487Lys (NM_001374257.1); c.1625C>A, p.Thr542Lys (NM_207181.4); short protein forms T424K, T486K, T487K, T542K, T543K.
Identifiers: ClinVar variation 1055534 (VCV001055534.10), dbSNP rs1680806014, ClinGen allele CA348087339.
Genomic context (GRCh38, chr2:110,143,611, plus strand): 5'-TTTCTTGATCTTCTGTTCAAGGATCTCAGTTTCACTAGAAGTTGAGGCTGCCTTCTCATT[G>T]TCATAATCTGGTAGAAAACACTGCCGTGTGCTTTTAAGAAAAATCAAAAGTAACTCACGA-3'
Protein context (NP_001121650.1, residues 477-497): AHGSVFYQIM[Thr487Lys]MRRQPQLLVK

ClinVar aggregate classification (germline): Uncertain significance (1 of 4 stars; one submission).

Conditions:
Nephronophthisis. Also called: Juvenile Nephronophthisis. Identifiers: Orphanet 655, MedGen C0687120, MONDO:0019005, HP:0000090.

Submission:

Labcorp Genetics (formerly Invitae), Labcorp
Classification: Uncertain significance for Nephronophthisis. Last evaluated: 2022-07-19. Review status: criteria provided, single submitter. Criteria: Invitae Variant Classification Sherloc (09022015). Collection method: clinical testing. Allele origin: germline.
Comment: This variant has not been reported in the literature in individuals affected with NPHP1-related conditions. This variant is not present in population databases (gnomAD no frequency). This sequence change replaces threonine, which is neutral and polar, with lysine, which is basic and polar, at codon 543 of the NPHP1 protein (p.Thr543Lys). ClinVar contains an entry for this variant (Variation ID: 1055534). In summary, the available evidence is currently insufficient to determine the role of this variant in disease. Therefore, it has been classified as a Variant of Uncertain Significance. Algorithms developed to predict the effect of missense changes on protein structure and function (SIFT, PolyPhen-2, Align-GVGD) all suggest that this variant is likely to be tolerated.